The following is an entry in ClinVar:

NM_002528.7(NTHL1):c.559_562del (p.Ile187fs)

Gene: NTHL1 (nth like DNA glycosylase 1; minus strand). Cytogenetic location: 16p13.3.
Variant type: Deletion.
Coding change: c.559_562del on transcript NM_002528.7 (MANE Select); coding-DNA positions 559 to 562, 4 bases deleted (ATCC; older notation c.559_562delATCC).
Protein change: p.Ile187fs; shifts the reading frame from isoleucine 187.
Molecular consequence: frameshift variant.
Genome position (GRCh38, 1-based): chr16:2,043,690-2,043,693, GGAT deleted on the plus strand (ATCC on the coding strand, the reverse complement: NTHL1 is on the minus strand); deleting any 4 consecutive bases within chr16:2,043,690-2,043,695 gives the same sequence; the c. name uses the placement nearest the transcript's 3' end. VCF-style (leftmost placement, unchanged base first): chr16-2043689-AGGAT-A. GRCh37 (hg19) VCF-style: chr16-2093690-AGGAT-A.
Other names: c.388_391del, p.Ile130fs (NM_001318193.2); c.229_232del, p.Ile77fs (NM_001318194.2); c.583_586delATCC (NM_002528.5); short protein forms I130fs, I187fs, I77fs.
Identifiers: ClinVar variation 2673808 (VCV002673808.2), dbSNP rs2548315200, ClinGen allele CA2695197420.
Genomic context (GRCh38, chr16:2,043,689, plus strand): 5'-CCCGGCAGCGCCACCAGCTCGGCCACAGAGGCTGGGATGTCCCCACCGTAGTGCTGCTGC[AGGAT>A]GGCGCTGGTCTGCTTGATGTATTTCACCTTGCTCTGAAAGACAGGGGTGGGTTCAGCCTT-3'

ClinVar aggregate classification (germline): Pathogenic. Review status: criteria provided, multiple submitters, no conflicts (2 of 4 stars). 2 submissions from 2 submitters: Pathogenic (2). Last evaluated 2025-06-11.

Conditions:
Hereditary cancer-predisposing syndrome. Also called: Neoplastic Syndromes, Hereditary; Tumor predisposition; Hereditary Cancer Syndrome; Hereditary neoplastic syndrome. Identifiers: Orphanet 140162, MedGen C0027672, MeSH D009386, MONDO:0015356.
Familial adenomatous polyposis 3. Also called: NTHL1-Related Adenomatous Polyposis and Colorectal Cancer; NTHL1 Tumor Syndrome; NTHL1-related attenuated familial adenomatous polyposis; NTHL1-associated polyposis. Identifiers: Orphanet 220460, Orphanet 454840, MedGen C4225157, MONDO:0014630, OMIM 616415.

Submissions (2):

Ambry Genetics
Classification: Pathogenic for Hereditary cancer-predisposing syndrome. Last evaluated: 2025-06-11. Review status: criteria provided, single submitter. Criteria: Ambry Variant Classification Scheme 2023. Collection method: clinical testing. Allele origin: germline.
Comment: The c.583_586delATCC pathogenic mutation, located in coding exon 4 of the NTHL1 gene, results from a deletion of 4 nucleotides at nucleotide positions 583 to 586, causing a translational frameshift with a predicted alternate stop codon (p.I195Cfs*54). This variant is considered to be rare based on population cohorts in the Genome Aggregation Database (gnomAD). This alteration is expected to result in loss of function by premature protein truncation or nonsense-mediated mRNA decay. As such, this alteration is interpreted as a disease-causing mutation.

Myriad Genetics, Inc.
Classification: Pathogenic for Familial adenomatous polyposis 3. Last evaluated: 2023-09-05. Review status: criteria provided, single submitter. Criteria: Myriad Autosomal Dominant, Autosomal Recessive and X-Linked Classification Criteria (2023). Collection method: clinical testing. Allele origin: unknown.
Comment: This variant is considered pathogenic. This variant creates a frameshift predicted to result in premature protein truncation.